The following is an entry in ClinVar:

ClinVar aggregate classification (germline): Benign. Review status: criteria provided, multiple submitters, no conflicts (2 of 4 stars). 2 submissions from 2 submitters: Benign (2). Last evaluated 2018-06-14.

Allele frequency attached by ClinVar (database versions not stated): 1000 Genomes Project 30x 0.34681; 1000 Genomes Project 0.35004; TOPMed 0.39555; gnomAD 0.45758.
gnomAD v4.1: 64,317 of 152,030 alleles (42%); highest among the groups gnomAD compares: Non-Finnish European, 48%; 14,303 homozygotes.

Submissions (2):

GeneDx
Classification: Benign. Last evaluated: 2018-06-14. Review status: criteria provided, single submitter. Criteria: GeneDx Variant Classification (06012015). Collection method: clinical testing. Allele origin: germline. Affected: yes.
Comment: This variant is considered likely benign or benign based on one or more of the following criteria: it is a conservative change, it occurs at a poorly conserved position in the protein, it is predicted to be benign by multiple in silico algorithms, and/or has population frequency not consistent with disease.

Breakthrough Genomics
Classification: Benign. Review status: criteria provided, single submitter. Criteria: ACMG Guidelines, 2015. Collection method: not provided. Allele origin: germline. Inheritance: Autosomal dominant inheritance. Affected: yes.

NM_001005373.4(LRSAM1):c.1348-211G>A

Gene: LRSAM1 (leucine rich repeat and sterile alpha motif containing 1; plus strand). Cytogenetic location: 9q33.3.
Variant type: single nucleotide variant.
Coding change: c.1348-211G>A on transcript NM_001005373.4 (MANE Select); 211 bases into the intron before coding-DNA position 1348, G replaced by A.
Molecular consequence: intron variant.
Genome position (GRCh38, 1-based): chr9:127,489,233, G>A. VCF-style: chr9-127489233-G-A. GRCh37 (hg19) VCF-style: chr9-130251512-G-A.
Other names: c.1348-211G>A (NM_138361.5, NM_001384142.1, NM_001384143.1 and 2 more transcripts); c.559-211G>A (NM_001384144.1).
Identifiers: ClinVar variation 683127 (VCV000683127.2), dbSNP rs2245677, ClinGen allele CA13000698.